The following is an entry in ClinVar:

ClinVar aggregate classification (germline): Uncertain significance. Review status: criteria provided, multiple submitters, no conflicts (2 of 4 stars). 2 submissions from 2 submitters: Uncertain significance (2). Last evaluated 2025-08-23.

Conditions:
Inborn genetic diseases. Identifiers: MedGen C0950123, MeSH D030342.
Epidermodysplasia verruciformis. Identifiers: Orphanet 302, MedGen C0014522, MONDO:0009176.

Allele frequency attached by ClinVar (database versions not stated): gnomAD 0.00001; gnomAD exomes 0.00003; ExAC 0.00004.

Submissions (2):

Ambry Genetics
Classification: Uncertain significance for Inborn genetic diseases. Last evaluated: 2025-08-23. Review status: criteria provided, single submitter. Criteria: Ambry Variant Classification Scheme 2023. Collection method: clinical testing. Allele origin: germline.

Labcorp Genetics (formerly Invitae), Labcorp
Classification: Uncertain significance for Epidermodysplasia verruciformis. Last evaluated: 2021-09-01. Review status: criteria provided, single submitter. Criteria: Invitae Variant Classification Sherloc (09022015). Collection method: clinical testing. Allele origin: germline.
Comment: This sequence change replaces valine with methionine at codon 579 of the TMC8 protein (p.Val579Met). The valine residue is moderately conserved and there is a small physicochemical difference between valine and methionine. This variant is present in population databases (rs757215882, ExAC 0.03%). This variant has not been reported in the literature in individuals affected with TMC8-related conditions. Algorithms developed to predict the effect of missense changes on protein structure and function (SIFT, PolyPhen-2, Align-GVGD) all suggest that this variant is likely to be tolerated. In summary, the available evidence is currently insufficient to determine the role of this variant in disease. Therefore, it has been classified as a Variant of Uncertain Significance.

NM_152468.5(TMC8):c.1735G>A (p.Val579Met)

Gene: TMC8 (transmembrane channel like 8; plus strand). Cytogenetic location: 17q25.3.
Variant type: single nucleotide variant.
Coding change: c.1735G>A on transcript NM_152468.5 (MANE Select); coding-DNA position 1735, G replaced by A.
Protein change: p.Val579Met; replaces valine 579 with methionine.
Molecular consequence: missense variant.
Genome position (GRCh38, 1-based): chr17:78,138,644, G>A. VCF-style: chr17-78138644-G-A. GRCh37 (hg19) VCF-style: chr17-76134725-G-A.
Other names: c.1735G>A (NM_152468.4); short protein forms V579M.
Identifiers: ClinVar variation 1438083 (VCV001438083.6), dbSNP rs757215882, ClinGen allele CA8796971.